The following is an entry in ClinVar:

NM_006231.4(POLE):c.3565C>A (p.Leu1189Met)

Gene: POLE (DNA polymerase epsilon, catalytic subunit; minus strand). Cytogenetic location: 12q24.33.
Variant type: single nucleotide variant.
Coding change: c.3565C>A on transcript NM_006231.4 (MANE Select); coding-DNA position 3565, C replaced by A.
Protein change: p.Leu1189Met; replaces leucine 1189 with methionine.
Molecular consequence: missense variant.
Genome position (GRCh38, 1-based): chr12:132,657,153, G>T on the plus strand (C>A on the coding strand, the complement: POLE is on the minus strand). VCF-style: chr12-132657153-G-T. GRCh37 (hg19) VCF-style: chr12-133233739-G-T.
Other names: short protein forms L1189M.
Identifiers: ClinVar variation 2447955 (VCV002447955.2), dbSNP rs2138656159, ClinGen allele CA387388340.

ClinVar aggregate classification (germline): Uncertain significance (1 of 4 stars; one submission).

Conditions:
Hereditary cancer-predisposing syndrome. Also called: Neoplastic Syndromes, Hereditary; Hereditary Cancer Syndrome; Tumor predisposition; Hereditary neoplastic syndrome. Identifiers: Orphanet 140162, MedGen C0027672, MeSH D009386, MONDO:0015356.

Submission:

Ambry Genetics
Classification: Uncertain significance for Hereditary cancer-predisposing syndrome. Last evaluated: 2023-03-05. Review status: criteria provided, single submitter. Criteria: Ambry Variant Classification Scheme 2023. Collection method: clinical testing. Allele origin: germline.
Comment: The p.L1189M variant (also known as c.3565C>A), located in coding exon 29 of the POLE gene, results from a C to A substitution at nucleotide position 3565. The leucine at codon 1189 is replaced by methionine, an amino acid with highly similar properties. This amino acid position is conserved. In addition, this alteration is predicted to be tolerated by in silico analysis. Since supporting evidence is limited at this time, the clinical significance of this alteration remains unclear.